The following is an entry in ClinVar:

ClinVar aggregate classification (germline): Uncertain significance (1 of 4 stars; one submission).

Submission:

Labcorp Genetics (formerly Invitae), Labcorp
Classification: Uncertain significance. Last evaluated: 2022-04-05. Review status: criteria provided, single submitter. Criteria: Invitae Variant Classification Sherloc (09022015). Collection method: clinical testing. Allele origin: germline.
Comment: This sequence change replaces lysine, which is basic and polar, with glutamine, which is neutral and polar, at codon 2009 of the EYS protein (p.Lys2009Gln). This variant is not present in population databases (gnomAD no frequency). This variant has not been reported in the literature in individuals affected with EYS-related conditions. Algorithms developed to predict the effect of missense changes on protein structure and function (SIFT, PolyPhen-2, Align-GVGD) all suggest that this variant is likely to be tolerated. In summary, the available evidence is currently insufficient to determine the role of this variant in disease. Therefore, it has been classified as a Variant of Uncertain Significance.

NM_001142800.2(EYS):c.6025A>C (p.Lys2009Gln)

Gene: EYS (eyes shut homolog; minus strand). Cytogenetic location: 6q12.
Variant type: single nucleotide variant.
Coding change: c.6025A>C on transcript NM_001142800.2 (MANE Select); coding-DNA position 6025, A replaced by C.
Protein change: p.Lys2009Gln; replaces lysine 2009 with glutamine.
Molecular consequence: missense variant.
Genome position (GRCh38, 1-based): chr6:64,388,743, T>G on the plus strand (A>C on the coding strand, the complement: EYS is on the minus strand). VCF-style: chr6-64388743-T-G. GRCh37 (hg19) VCF-style: chr6-65098636-T-G.
Other names: c.6025A>C, p.Lys2009Gln (NM_001292009.2); short protein forms K2009Q.
Identifiers: ClinVar variation 2121826 (VCV002121826.1), dbSNP rs559078881, ClinGen allele CA364392050.